The following is an entry in ClinVar:

ClinVar aggregate classification (germline): Uncertain significance (1 of 4 stars; one submission).

Conditions:
Hereditary cancer-predisposing syndrome. Also called: Neoplastic Syndromes, Hereditary; Tumor predisposition; Hereditary Cancer Syndrome; Hereditary neoplastic syndrome. Identifiers: Orphanet 140162, MedGen C0027672, MeSH D009386, MONDO:0015356.

Submission:

Ambry Genetics
Classification: Uncertain significance for Hereditary cancer-predisposing syndrome. Last evaluated: 2025-06-09. Review status: criteria provided, single submitter. Criteria: Ambry Variant Classification Scheme 2023. Collection method: clinical testing. Allele origin: germline.
Comment: The p.L576R variant (also known as c.1727T>G), located in coding exon 11 of the RAD50 gene, results from a T to G substitution at nucleotide position 1727. The leucine at codon 576 is replaced by arginine, an amino acid with dissimilar properties. This amino acid position is highly conserved in available vertebrate species. In addition, the in silico prediction for this alteration is inconclusive. Since supporting evidence is limited at this time, the clinical significance of this alteration remains unclear.

NM_005732.4(RAD50):c.1727T>G (p.Leu576Arg)

Gene: RAD50 (RAD50 double strand break repair protein; plus strand). Cytogenetic location: 5q31.1.
Variant type: single nucleotide variant.
Coding change: c.1727T>G on transcript NM_005732.4 (MANE Select); coding-DNA position 1727, T replaced by G.
Protein change: p.Leu576Arg; replaces leucine 576 with arginine.
Molecular consequence: missense variant.
Genome position (GRCh38, 1-based): chr5:132,591,968, T>G. VCF-style: chr5-132591968-T-G. GRCh37 (hg19) VCF-style: chr5-131927660-T-G.
Other names: short protein forms L576R.
Identifiers: ClinVar variation 819944 (VCV000819944.5), dbSNP rs1580994889, ClinGen allele CA360946522.
Genomic context (GRCh38, chr5:132,591,968, plus strand): 5'-AATCTAGGCACAGTGATGAATTAACCTCACTGTTGGGATATTTTCCCAACAAAAAACAGC[T>G]TGAAGACTGGCTACATAGTAAATCAAAAGAAATTAATCAGACCAGGGACAGACTTGCCAA-3'
Protein context (NP_005723.2, residues 566-586): LLGYFPNKKQ[Leu576Arg]EDWLHSKSKE